The following is an entry in ClinVar:

ClinVar aggregate classification (germline): Uncertain significance (1 of 4 stars; one submission).

Conditions:
Hereditary breast ovarian cancer syndrome. Also called: BRCA1- and BRCA2-Associated Hereditary Breast and Ovarian Cancer; Hereditary breast and/or ovarian cancer syndrome; Hereditary breast and ovarian cancer; Hereditary breast and ovarian cancer syndrome (HBOC); Breast and ovarian cancer; Hereditary breast and ovarian cancer syndrome. Identifiers: Orphanet 145, MedGen C0677776, MeSH D061325, MONDO:0003582. Disease mechanism: loss of function.

Submission:

Labcorp Genetics (formerly Invitae), Labcorp
Classification: Uncertain significance for Hereditary breast ovarian cancer syndrome. Last evaluated: 2023-05-27. Review status: criteria provided, single submitter. Criteria: Invitae Variant Classification Sherloc (09022015). Collection method: clinical testing. Allele origin: germline.
Comment: In summary, the available evidence is currently insufficient to determine the role of this variant in disease. Therefore, it has been classified as a Variant of Uncertain Significance. Advanced modeling of protein sequence and biophysical properties (such as structural, functional, and spatial information, amino acid conservation, physicochemical variation, residue mobility, and thermodynamic stability) performed at Invitae indicates that this missense variant is not expected to disrupt BRCA2 protein function. This variant has not been reported in the literature in individuals affected with BRCA2-related conditions. This variant is not present in population databases (gnomAD no frequency). This sequence change replaces glutamic acid, which is acidic and polar, with glutamine, which is neutral and polar, at codon 3053 of the BRCA2 protein (p.Glu3053Gln).

NM_000059.4(BRCA2):c.9157G>C (p.Glu3053Gln)

Gene: BRCA2 (BRCA2 DNA repair associated; plus strand). Cytogenetic location: 13q13.1.
Variant type: single nucleotide variant.
Coding change: c.9157G>C on transcript NM_000059.4 (MANE Select); coding-DNA position 9157, G replaced by C.
Protein change: p.Glu3053Gln; replaces glutamic acid 3053 with glutamine.
Molecular consequence: missense variant. On other transcripts: non-coding transcript variant (1).
Genome position (GRCh38, 1-based): chr13:32,380,046, G>C. VCF-style: chr13-32380046-G-C. GRCh37 (hg19) VCF-style: chr13-32954183-G-C.
Other names: c.9061G>C, p.Glu3021Gln (NM_001406719.1); c.9106G>C, p.Glu3036Gln (NM_001406720.1); c.4225G>C, p.Glu1409Gln (NM_001406721.1); c.2740G>C, p.Glu914Gln (NM_001406722.1); short protein forms E1409Q, E3036Q, E3021Q, E3053Q, E914Q.
Identifiers: ClinVar variation 2737718 (VCV002737718.3), dbSNP rs2137624878, ClinGen allele CA387757945.